The following is an entry in ClinVar:

NM_182914.3(SYNE2):c.10332G>A (p.Ser3444=)

Gene: SYNE2 (spectrin repeat containing nuclear envelope protein 2; plus strand). Cytogenetic location: 14q23.2.
Variant type: single nucleotide variant.
Coding change: c.10332G>A on transcript NM_182914.3 (MANE Select); coding-DNA position 10332, G replaced by A.
Protein change: p.Ser3444=; no amino-acid change (serine 3444 retained).
Molecular consequence: synonymous variant.
Genome position (GRCh38, 1-based): chr14:64,065,551, G>A. VCF-style: chr14-64065551-G-A. GRCh37 (hg19) VCF-style: chr14-64532269-G-A.
Other names: c.10332G>A, p.Ser3444= (NM_015180.6).
Identifiers: ClinVar variation 586751 (VCV000586751.14), dbSNP rs1200933436, ClinGen allele CA486709833.

ClinVar aggregate classification (germline): Likely benign. Review status: criteria provided, multiple submitters, no conflicts (2 of 4 stars). 4 submissions from 4 submitters: Likely benign (4). Last evaluated 2025-08-01.

Conditions:
Emery-Dreifuss muscular dystrophy 5, autosomal dominant (EDMD5). Also called: EMERY-DREIFUSS MUSCULAR DYSTROPHY 5. Identifiers: Orphanet 261, MedGen C2751805, MONDO:0013072, OMIM 612999.

Allele frequency attached by ClinVar (database versions not stated): gnomAD 0.00001; TOPMed 0.00001.
gnomAD v4.1: 16 of 1,613,990 alleles (0.00099%); highest among the groups gnomAD compares: Admixed American, 0.013%; no homozygotes.

Submissions (4):

CeGaT Center for Human Genetics Tuebingen
Classification: Likely benign. Last evaluated: 2025-08-01. Review status: criteria provided, single submitter. Criteria: CeGaT Center For Human Genetics Tuebingen Variant Classification Criteria Version 2. Collection method: clinical testing. Allele origin: germline. Affected: yes. Observed: 1 variant allele.
Comment: SYNE2: BP4, BP7

Labcorp Genetics (formerly Invitae), Labcorp
Classification: Likely benign for Emery-Dreifuss muscular dystrophy 5, autosomal dominant. Last evaluated: 2024-10-16. Review status: criteria provided, single submitter. Criteria: Invitae Variant Classification Sherloc (09022015). Collection method: clinical testing. Allele origin: germline.

Ambry Genetics
Classification: Likely benign. Last evaluated: 2023-11-18. Review status: criteria provided, single submitter. Criteria: Ambry Variant Classification Scheme 2023. Collection method: clinical testing. Allele origin: germline.

Athena Diagnostics
Classification: Likely benign. Last evaluated: 2018-04-09. Review status: criteria provided, single submitter. Criteria: Athena Diagnostics Criteria. Collection method: clinical testing. Allele origin: germline.